The following is an entry in ClinVar:

ClinVar aggregate classification (germline): Benign. Review status: criteria provided, multiple submitters, no conflicts (2 of 4 stars). 13 submissions from 10 submitters: Benign (13). Last evaluated 2026-07-01.

Conditions:
Dyskeratosis congenita, autosomal dominant 2. Identifiers: MedGen C3151443, MONDO:0013521, OMIM 613989.
Idiopathic Pulmonary Fibrosis. Also called: Idiopathic fibrosing alveolitis, chronic form; idiopathic fibrosing alveolitis. Identifiers: Orphanet 2032, MedGen C1800706, MeSH D054990, MONDO:0800504.
Melanoma, cutaneous malignant, susceptibility to, 9. Also called: Cutaneous malignant melanoma 9. Identifiers: Orphanet 618, MedGen C3554574, MONDO:0014056, OMIM 615134.
Dyskeratosis congenita. Identifiers: Orphanet 1775, MedGen C0265965, MONDO:0015780.
Pulmonary fibrosis and/or bone marrow failure, Telomere-related, 1. Also called: PULMONARY FIBROSIS AND/OR BONE MARROW FAILURE SYNDROME, TELOMERE-RELATED, 1. Identifiers: Orphanet 88, MedGen C3553617, MONDO:0013878, OMIM 614742.
Acute myeloid leukemia (AML). Also called: Acute myeloid leukemia, adult; AML adult; Acute non-lymphocytic leukemia; Acute granulocytic leukemia; Leukemia, acute myeloid, somatic; Leukemia, acute myelogenous, somatic. Identifiers: Orphanet 519, MedGen C0023467, MeSH D015470, MONDO:0018874, OMIM 601626, HP:0004808. Disease mechanism: Constitutively activated FLT3.
Aplastic anemia. Identifiers: Orphanet 182040, Orphanet 88, MedGen C0002874, MONDO:0015909, OMIM 609135, HP:0001915.

Allele frequency attached by ClinVar (database versions not stated): gnomAD exomes 0.00189; ExAC 0.00253; gnomAD 0.00788 and 0.00838; TOPMed 0.00838; 1000 Genomes Project 0.00839; 1000 Genomes Project 30x 0.00874; ESP Exome Variant Server 0.00930.
gnomAD v4.1: 2,305 of 1,614,120 alleles (0.14%); highest among the groups gnomAD compares: African/African-American, 2.8%; 31 homozygotes.

Submissions (13):

CeGaT Center for Human Genetics Tuebingen
Classification: Benign. Last evaluated: 2026-07-01. Review status: criteria provided, single submitter. Criteria: CeGaT Center For Human Genetics Tuebingen Variant Classification Criteria Version 2. Collection method: clinical testing. Allele origin: germline. Affected: yes. Observed: 1 variant allele.
Comment: TERT: BP4, BP7, BS1, BS2

Labcorp Genetics (formerly Invitae), Labcorp
Classification: Benign for Dyskeratosis congenita, autosomal dominant 2; Idiopathic Pulmonary Fibrosis. Last evaluated: 2026-02-01. Review status: criteria provided, single submitter. Criteria: Invitae Variant Classification Sherloc (09022015). Collection method: clinical testing. Allele origin: germline.

KCCC/NGS Laboratory, Kuwait Cancer Control Center
Classification: Benign for Melanoma, cutaneous malignant, susceptibility to, 9. Last evaluated: 2025-02-01. Review status: criteria provided, single submitter. Criteria: ACMG Guidelines, 2015. Collection method: clinical testing. Allele origin: germline. Affected: no.

ARUP Laboratories, Molecular Genetics and Genomics, ARUP Laboratories
Classification: Benign. Last evaluated: 2023-10-14. Review status: criteria provided, single submitter. Criteria: ARUP Molecular Germline Variant Investigation Process 2024. Collection method: clinical testing. Allele origin: germline.

KCCC/NGS Laboratory, Kuwait Cancer Control Center
Classification: Benign for Acute myeloid leukemia. Last evaluated: 2023-07-07. Review status: criteria provided, single submitter. Criteria: ACMG Guidelines, 2015. Collection method: clinical testing. Allele origin: germline. Affected: yes.

Illumina Laboratory Services, Illumina
Classification: Benign for Pulmonary fibrosis and/or bone marrow failure, Telomere-related, 1. Last evaluated: 2018-01-13. Review status: criteria provided, single submitter. Criteria: ICSL Variant Classification Criteria 13 December 2019. Collection method: clinical testing. Allele origin: germline.
Comment: This variant was observed in the ICSL laboratory as part of a predisposition screen in an ostensibly healthy population. It had not been previously curated by ICSL or reported in the Human Gene Mutation Database (HGMD: prior to June 1st, 2018), and was therefore a candidate for classification through an automated scoring system. Utilizing variant allele frequency, disease prevalence and penetrance estimates, and inheritance mode, an automated score was calculated to assess if this variant is too frequent to cause the disease. Based on the score and internal cut-off values, a variant classified as benign is not then subjected to further curation. The score for this variant resulted in a classification of benign for this disease.

Illumina Laboratory Services, Illumina
Classification: Benign for Aplastic anemia. Last evaluated: 2018-01-13. Review status: criteria provided, single submitter. Criteria: ICSL Variant Classification Criteria 13 December 2019. Collection method: clinical testing. Allele origin: germline.
Comment: the same text as in the submission from Illumina Laboratory Services, Illumina above.

Illumina Laboratory Services, Illumina
Classification: Benign for Dyskeratosis congenita, autosomal dominant 2. Last evaluated: 2018-01-13. Review status: criteria provided, single submitter. Criteria: ICSL Variant Classification Criteria 13 December 2019. Collection method: clinical testing. Allele origin: germline.
Comment: the same text as in the submission from Illumina Laboratory Services, Illumina above.

Ambry Genetics
Classification: Benign for Dyskeratosis congenita. Last evaluated: 2016-09-15. Review status: criteria provided, single submitter. Criteria: Ambry Variant Classification Scheme 2023. Collection method: clinical testing. Allele origin: germline.

GeneDx
Classification: Benign. Last evaluated: 2015-05-26. Review status: criteria provided, single submitter. Criteria: GeneDx Variant Classification (06012015). Collection method: clinical testing. Allele origin: germline. Affected: yes.
Comment: This variant is considered likely benign or benign based on one or more of the following criteria: it is a conservative change, it occurs at a poorly conserved position in the protein, it is predicted to be benign by multiple in silico algorithms, and/or has population frequency not consistent with disease.

Laboratory for Molecular Medicine, Mass General Brigham Personalized Medicine
Classification: Benign. Last evaluated: 2013-02-21. Review status: criteria provided, single submitter. Criteria: LMM Criteria. Collection method: clinical testing. Allele origin: germline. Observed: 1 variant allele.
Comment: Val553Val in exon 3 of TERT: This variant is not expected to have clinical signi ficance because it does not alter an amino acid residue and is not located withi n the splice consensus sequence. It has been identified in 2.7% (120/4406) of Af rican American chromosomes from a broad population by the NHLBI Exome Sequencing Project (dbSNP rs35809415).

Breakthrough Genomics
Classification: Benign. Review status: criteria provided, single submitter. Criteria: ACMG Guidelines, 2015. Collection method: not provided. Allele origin: germline. Inheritance: Autosomal dominant inheritance. Affected: yes.

PreventionGenetics, part of Exact Sciences
Classification: Benign. Review status: criteria provided, single submitter. Criteria: ACMG Guidelines, 2015. Collection method: clinical testing. Allele origin: germline.

NM_198253.3(TERT):c.1659C>T (p.Val553=)

Gene: TERT (telomerase reverse transcriptase; minus strand). Cytogenetic location: 5p15.33.
Variant type: single nucleotide variant.
Coding change: c.1659C>T on transcript NM_198253.3 (MANE Select); coding-DNA position 1659, C replaced by T.
Protein change: p.Val553=; no amino-acid change (valine 553 retained).
Molecular consequence: synonymous variant. On other transcripts: non-coding transcript variant (2).
Genome position (GRCh38, 1-based): chr5:1,282,539, G>A on the plus strand (C>T on the coding strand, the complement: TERT is on the minus strand). VCF-style: chr5-1282539-G-A. GRCh37 (hg19) VCF-style: chr5-1282654-G-A.
Other names: p.Val553Val; c.1659C>T, p.Val553= (NM_001193376.3).
Identifiers: ClinVar variation 242219 (VCV000242219.29), dbSNP rs35809415, ClinGen allele CA3184787.